The following is an entry in ClinVar:

NM_005251.3(FOXC2):c.957G>T (p.Gln319His)

Gene: FOXC2 (forkhead box C2; plus strand). Cytogenetic location: 16q24.1.
Variant type: single nucleotide variant.
Coding change: c.957G>T on transcript NM_005251.3 (MANE Select); coding-DNA position 957, G replaced by T.
Protein change: p.Gln319His; replaces glutamine 319 with histidine.
Molecular consequence: missense variant.
Genome position (GRCh38, 1-based): chr16:86,568,292, G>T. VCF-style: chr16-86568292-G-T. GRCh37 (hg19) VCF-style: chr16-86601898-G-T.
Other names: short protein forms Q319H.
Identifiers: ClinVar variation 2885010 (VCV002885010.3), dbSNP rs1974229268, ClinGen allele CA397009149.

ClinVar aggregate classification (germline): Uncertain significance (1 of 4 stars; one submission).

Allele frequency attached by ClinVar (database versions not stated): TOPMed 0.00001.

Submission:

Labcorp Genetics (formerly Invitae), Labcorp
Classification: Uncertain significance. Last evaluated: 2025-06-12. Review status: criteria provided, single submitter. Criteria: Invitae Variant Classification Sherloc (09022015). Collection method: clinical testing. Allele origin: germline.
Comment: This sequence change replaces glutamine, which is neutral and polar, with histidine, which is basic and polar, at codon 319 of the FOXC2 protein (p.Gln319His). This variant is not present in population databases (gnomAD no frequency). This variant has not been reported in the literature in individuals affected with FOXC2-related conditions. ClinVar contains an entry for this variant (Variation ID: 2885010). An algorithm developed to predict the effect of missense changes on protein structure and function (PolyPhen-2) suggests that this variant is likely to be tolerated. In summary, the available evidence is currently insufficient to determine the role of this variant in disease. Therefore, it has been classified as a Variant of Uncertain Significance.